The following is an entry in ClinVar:

ClinVar aggregate classification (germline): Pathogenic (1 of 4 stars; one submission).

Conditions:
Fanconi anemia (FA). Also called: Fanconi's anemia. Identifiers: Orphanet 84, MedGen C0015625, MeSH D005199, MONDO:0019391.

Submission:

Labcorp Genetics (formerly Invitae), Labcorp
Classification: Pathogenic for Fanconi anemia. Last evaluated: 2022-08-31. Review status: criteria provided, single submitter. Criteria: Invitae Variant Classification Sherloc (09022015). Collection method: clinical testing. Allele origin: germline.
Comment: This variant is a gross deletion of the genomic region encompassing exon(s) 1-30 of the FANCA gene, which includes the initiator codon. This deletion extends beyond the assayed region for this gene and therefore may encompass additional genes. It is expected to result in an absent or disrupted protein product. Loss-of-function variants in FANCA are known to be pathogenic (PMID: 19367192). A similar copy number variant has been observed in individual(s) with Fanconi anemia (PMID: 10094191, 17924555, 29098742). For these reasons, this variant has been classified as Pathogenic.

Literature cited by the submitters: PubMed 19367192; PubMed 10094191; PubMed 17924555; PubMed 29098742.

NC_000016.9:g.(?_89824975)_(89883033_?)del

Gene: FANCA (FA complementation group A; minus strand). Cytogenetic location: 16q24.3.
Variant type: Deletion.
Identifiers: ClinVar variation 1459176 (VCV001459176.4).